The following is an entry in ClinVar:

NM_005984.5(SLC25A1):c.657_665delinsGACCTC (p.Asn219_Ile222delinsLysThrSer)

Gene: SLC25A1 (solute carrier family 25 member 1; minus strand). Cytogenetic location: 22q11.21.
Variant type: Indel.
Coding change: c.657_665delinsGACCTC on transcript NM_005984.5 (MANE Select); coding-DNA positions 657 to 665, CCCTCTGAT replaced by GACCTC.
Protein change: p.Asn219_Ile222delinsLysThrSer.
Molecular consequence: inframe indel. On other transcripts: non-coding transcript variant (1).
Genome position (GRCh38, 1-based): chr22:19,176,660-19,176,668, ATCAGAGGG replaced by GAGGTC on the plus strand (CCCTCTGAT replaced by GACCTC on the coding strand, the reverse complement: SLC25A1 is on the minus strand). VCF-style: chr22-19176660-ATCAGAGGG-GAGGTC. GRCh37 (hg19) VCF-style: chr22-19164173-ATCAGAGGG-GAGGTC.
Other names: c.678_686delinsGACCTC, p.Asn226_Ile229delinsLysThrSer (NM_001256534.2); c.348_356delinsGACCTC, p.Asn116_Ile119delinsLysThrSer (NM_001287387.2); c.657_665delCCCTCTGATinsGACCTC (NM_005984.3); c.657_665delinsGACCTC (NM_005984.3).
Identifiers: ClinVar variation 420910 (VCV000420910.3), dbSNP rs1064794784, ClinGen allele CA16621035.

ClinVar aggregate classification (germline): Likely pathogenic (1 of 4 stars; one submission).

Submission:

GeneDx
Classification: Likely pathogenic. Last evaluated: 2024-09-30. Review status: criteria provided, single submitter. Criteria: GeneDx Variant Classification Process June 2021. Collection method: clinical testing. Allele origin: germline. Affected: yes.
Comment: Not observed at significant frequency in large population cohorts (gnomAD); In-frame deletion of 4 amino acids and insertion of 3 different amino acids in a non-repeat region; In silico analysis supports a deleterious effect on protein structure/function; Has not been previously published as pathogenic or benign to our knowledge